The following is an entry in ClinVar:

ClinVar aggregate classification (germline): Uncertain significance. Review status: criteria provided, multiple submitters, no conflicts (2 of 4 stars). 2 submissions from 2 submitters: Uncertain significance (2). Last evaluated 2026-02-03.

Conditions:
Neurofibromatosis, type 1 (NF1). Also called: VON RECKLINGHAUSEN DISEASE; Neurofibromatosis, type I; NEUROFIBROMATOSIS, TYPE I, SOMATIC; Peripheral type neurofibromatosis. Identifiers: Orphanet 636, MedGen C0027831, MONDO:0018975, OMIM 162200. Disease mechanism: loss of function.
Hereditary cancer-predisposing syndrome. Also called: Hereditary Cancer Syndrome; Tumor predisposition; Neoplastic Syndromes, Hereditary; Hereditary neoplastic syndrome. Identifiers: Orphanet 140162, MedGen C0027672, MeSH D009386, MONDO:0015356.
Cardiovascular phenotype. Identifiers: MedGen CN230736.

Submissions (2):

Labcorp Genetics (formerly Invitae), Labcorp
Classification: Uncertain significance for Neurofibromatosis, type 1. Last evaluated: 2026-02-03. Review status: criteria provided, single submitter. Criteria: Invitae Variant Classification Sherloc (09022015). Collection method: clinical testing. Allele origin: germline.
Comment: This sequence change replaces glycine, which is neutral and non-polar, with glutamic acid, which is acidic and polar, at codon 822 of the NF1 protein (p.Gly822Glu). This variant is not present in population databases (gnomAD no frequency). This variant has not been reported in the literature in individuals affected with NF1-related conditions. ClinVar contains an entry for this variant (Variation ID: 3237681). Invitae Evidence Modeling of protein sequence and biophysical properties (such as structural, functional, and spatial information, amino acid conservation, physicochemical variation, residue mobility, and thermodynamic stability) indicates that this missense variant is not expected to disrupt NF1 protein function with a negative predictive value of 95%. In summary, the available evidence is currently insufficient to determine the role of this variant in disease. Therefore, it has been classified as a Variant of Uncertain Significance.

Ambry Genetics
Classification: Uncertain significance for Cardiovascular phenotype; Hereditary cancer-predisposing syndrome. Last evaluated: 2023-12-04. Review status: criteria provided, single submitter. Criteria: Ambry Variant Classification Scheme 2023. Collection method: clinical testing. Allele origin: germline.
Comment: The p.G822E variant (also known as c.2465G>A), located in coding exon 21 of the NF1 gene, results from a G to A substitution at nucleotide position 2465. The glycine at codon 822 is replaced by glutamic acid, an amino acid with similar properties. This amino acid position is highly conserved in available vertebrate species. In addition, the in silico prediction for this alteration is inconclusive. Since supporting evidence is limited at this time, the clinical significance of this alteration remains unclear.

NM_001042492.3(NF1):c.2465G>A (p.Gly822Glu)

Gene: NF1 (neurofibromin 1; plus strand). Cytogenetic location: 17q11.2.
Variant type: single nucleotide variant.
Coding change: c.2465G>A on transcript NM_001042492.3 (MANE Select); coding-DNA position 2465, G replaced by A.
Protein change: p.Gly822Glu; replaces glycine 822 with glutamic acid.
Molecular consequence: missense variant.
Genome position (GRCh38, 1-based): chr17:31,229,080, G>A. VCF-style: chr17-31229080-G-A. GRCh37 (hg19) VCF-style: chr17-29556098-G-A.
Other names: c.2465G>A, p.Gly822Glu (NM_000267.4); short protein forms G822E.
Identifiers: ClinVar variation 3237681 (VCV003237681.2), dbSNP rs2151428919.